The following is an entry in ClinVar:

ClinVar aggregate classification (germline): Benign. Review status: criteria provided, single submitter (1 of 4 stars). 2 submissions from 2 submitters: Benign (1). 1 of the submissions does not count toward it. Last evaluated 2025-03-09.

Conditions:
KBG syndrome (KBGS). Also called: ANKRD11-Related KBG Syndrome. Identifiers: Orphanet 2332, MedGen C0220687, MONDO:0007846, OMIM 148050.
ANKRD11-related disorder. Also called: ANKRD11-related condition.

Allele frequency attached by ClinVar (database versions not stated): gnomAD exomes below 0.00001; gnomAD 0.00001; TOPMed 0.00001.
gnomAD v4.1: 4 of 1,613,820 alleles (0.00025%); highest among the groups gnomAD compares: Admixed American, 0.0033%; no homozygotes.

Submissions (2):

Labcorp Genetics (formerly Invitae), Labcorp
Classification: Benign for KBG syndrome. Last evaluated: 2025-03-09. Review status: criteria provided, single submitter. Criteria: Invitae Variant Classification Sherloc (09022015). Collection method: clinical testing. Allele origin: germline.

PreventionGenetics, part of Exact Sciences
Classification: Likely benign for ANKRD11-related condition. Last evaluated: 2019-10-17. Review status: no assertion criteria provided. Collection method: clinical testing. Allele origin: germline. Not counted in ClinVar's aggregate classification.
Comment: This variant is classified as likely benign based on ACMG/AMP sequence variant interpretation guidelines (Richards et al. 2015 PMID: 25741868, with internal and published modifications).

NM_013275.6(ANKRD11):c.111C>T (p.Thr37=)

Gene: ANKRD11 (ankyrin repeat domain 11; minus strand). Cytogenetic location: 16q24.3.
Variant type: single nucleotide variant.
Coding change: c.111C>T on transcript NM_013275.6 (MANE Select); coding-DNA position 111, C replaced by T.
Protein change: p.Thr37=; no amino-acid change (threonine 37 retained).
Molecular consequence: synonymous variant. On other transcripts: non-coding transcript variant (1).
Genome position (GRCh38, 1-based): chr16:89,305,321, G>A on the plus strand (C>T on the coding strand, the complement: ANKRD11 is on the minus strand). VCF-style: chr16-89305321-G-A. GRCh37 (hg19) VCF-style: chr16-89371729-G-A.
Other names: c.111C>T, p.Thr37= (NM_001256182.2, NM_001256183.2); c.111C>T (NM_013275.5).
Identifiers: ClinVar variation 2417828 (VCV002417828.9), dbSNP rs1240138092, ClinGen allele CA497163089.